The following is an entry in ClinVar:

NM_000868.4(HTR2C):c.502C>T (p.Arg168Trp)

Gene: HTR2C (5-hydroxytryptamine receptor 2C; plus strand). Cytogenetic location: Xq23.
Variant type: single nucleotide variant.
Coding change: c.502C>T on transcript NM_000868.4 (MANE Select); coding-DNA position 502, C replaced by T.
Protein change: p.Arg168Trp; replaces arginine 168 with tryptophan.
Molecular consequence: missense variant. On other transcripts: intron variant (1).
Genome position (GRCh38, 1-based): chrX:114,848,155, C>T. VCF-style: chrX-114848155-C-T. GRCh37 (hg19) VCF-style: chrX-114082718-C-T.
Other names: c.502C>T, p.Arg168Trp (NM_001256760.3); c.455+47C>T (NM_001256761.3); short protein forms R168W.
Identifiers: ClinVar variation 161473 (VCV000161473.2), dbSNP rs193920954, ClinGen allele CA174101.

ClinVar aggregate classification (germline): Uncertain significance (0 of 4 stars; one submission).

Conditions:
Prostate cancer. Also called: Malignant tumor of prostate. Identifiers: Orphanet 1331, MedGen C0376358, MONDO:0008315, HP:0012125.

Submission:

Science for Life laboratory,  Karolinska Institutet
Classification: Uncertain significance for Malignant tumor of prostate. Review status: no assertion criteria provided. Collection method: not provided. Allele origin: somatic.
Comment: TumorID:SWE-2
ClinVar note: Converted during submission from Unknown to Uncertain significance.